The following is an entry in ClinVar:

NM_002474.3(MYH11):c.1470C>A (p.Thr490=)

Gene: MYH11 (myosin heavy chain 11; minus strand). Cytogenetic location: 16p13.11.
Variant type: single nucleotide variant.
Coding change: c.1470C>A on transcript NM_002474.3 (MANE Select); coding-DNA position 1470, C replaced by A.
Protein change: p.Thr490=; no amino-acid change (threonine 490 retained).
Molecular consequence: synonymous variant.
Genome position (GRCh38, 1-based): chr16:15,757,932, G>T on the plus strand (C>A on the coding strand, the complement: MYH11 is on the minus strand). VCF-style: chr16-15757932-G-T. GRCh37 (hg19) VCF-style: chr16-15851789-G-T.
Other names: c.1491C>A, p.Thr497= (NM_001040113.2, NM_001040114.2); c.1470C>A, p.Thr490= (NM_022844.3).
Identifiers: ClinVar variation 923479 (VCV000923479.10), dbSNP rs759428938, ClinGen allele CA7922600.

ClinVar aggregate classification (germline): Likely benign. Review status: criteria provided, multiple submitters, no conflicts (2 of 4 stars). 3 submissions from 3 submitters: Likely benign (3). Last evaluated 2025-06-04.

Conditions:
Familial thoracic aortic aneurysm and aortic dissection (TAAD). Also called: Thoracic aortic aneurysms and dissections. Identifiers: Orphanet 91387, MedGen C4707243, MONDO:0019625.
Aortic aneurysm, familial thoracic 4 (AAT4). Also called: AORTIC ANEURYSM/AORTIC DISSECTION AND PATENT DUCTUS ARTERIOSUS. Identifiers: MedGen C1851504, MONDO:0007568, OMIM 132900.

Allele frequency attached by ClinVar (database versions not stated): gnomAD exomes below 0.00001 and 0.00001; ExAC 0.00001; TOPMed 0.00001.
gnomAD v4.1: 2 of 1,614,216 alleles (0.00012%); highest among the groups gnomAD compares: East Asian, 0.0045%; no homozygotes.

Submissions (3):

Labcorp Genetics (formerly Invitae), Labcorp
Classification: Likely benign for Aortic aneurysm, familial thoracic 4. Last evaluated: 2025-06-04. Review status: criteria provided, single submitter. Criteria: Invitae Variant Classification Sherloc (09022015). Collection method: clinical testing. Allele origin: germline.

All of Us Research Program, National Institutes of Health
Classification: Likely benign for Familial thoracic aortic aneurysm and aortic dissection. Last evaluated: 2023-11-30. Review status: criteria provided, single submitter. Criteria: ACMG Guidelines, 2015. Collection method: clinical testing. Allele origin: germline. Inheritance: Autosomal dominant inheritance. Observed: 2 variant alleles, 2 heterozygotes.
Comment: This study involves interpretation of variants in research participants for the purpose of population health screening. Participant phenotype was not available at the time of variant classification. Additional details can be found in publication PMID: 35346344, PMCID: PMC8962531

Color Diagnostics, LLC DBA Color Health
Classification: Likely benign for Familial thoracic aortic aneurysm and aortic dissection. Last evaluated: 2020-01-15. Review status: criteria provided, single submitter. Criteria: ACMG Guidelines, 2015. Collection method: clinical testing. Allele origin: germline.